The following is an entry in ClinVar:

ClinVar aggregate classification (germline): Uncertain significance. Review status: criteria provided, multiple submitters, no conflicts (2 of 4 stars). 4 submissions from 4 submitters: Uncertain significance (4). Last evaluated 2025-12-11.

Conditions:
Catecholaminergic polymorphic ventricular tachycardia 1. Also called: VENTRICULAR TACHYCARDIA, STRESS-INDUCED POLYMORPHIC 1; VENTRICULAR TACHYCARDIA, CATECHOLAMINERGIC POLYMORPHIC, 1, WITH OR WITHOUT ATRIAL DYSFUNCTION AND/OR DILATED CARDIOMYOPATHY; RYR2-Related Catecholaminergic Polymorphic Ventricular Tachycardia. Identifiers: Orphanet 3286, MedGen C1631597, MONDO:0011484, OMIM 604772.
Arrhythmogenic right ventricular dysplasia 2. Identifiers: MedGen C1832931.
Ventricular arrhythmias due to cardiac ryanodine receptor calcium release deficiency syndrome. Also called: Autosomal dominant cardiac arrhythmia (Kuhn). Identifiers: MedGen C5542154, MONDO:0020745, OMIM 115000.
Catecholaminergic polymorphic ventricular tachycardia (CVPT). Also called: Catecholamine-induced polymorphic ventricular tachycardia. Identifiers: Orphanet 3286, MedGen C5574922, MONDO:0017990.
Cardiomyopathy (CMYO). Also called: Cardiomyopathies. Identifiers: Orphanet 167848, MedGen C0878544, MONDO:0004994, HP:0001638. Inheritance: Various modes of inheritance.

Submissions (4):

Color Diagnostics, LLC DBA Color Health
Classification: Uncertain significance for Cardiomyopathy. Last evaluated: 2025-12-11. Review status: criteria provided, single submitter. Criteria: ACMG Guidelines, 2015. Collection method: clinical testing. Allele origin: germline.
Comment: This missense variant replaces aspartic acid with glutamic acid at codon 1138 of the RYR2 protein. Computational prediction suggests that this variant may not impact protein structure and function. To our knowledge, functional studies have not been reported for this variant. This variant has not been reported in individuals affected with RYR2-related disorders in the literature. This variant has not been identified in the general population by the Genome Aggregation Database (gnomAD). The available evidence is insufficient to determine the role of this variant in disease conclusively. Therefore, this variant is classified as a Variant of Uncertain Significance.

Labcorp Genetics (formerly Invitae), Labcorp
Classification: Uncertain significance for Catecholaminergic polymorphic ventricular tachycardia 1. Last evaluated: 2025-06-02. Review status: criteria provided, single submitter. Criteria: Invitae Variant Classification Sherloc (09022015). Collection method: clinical testing. Allele origin: germline.
Comment: This sequence change replaces aspartic acid, which is acidic and polar, with glutamic acid, which is acidic and polar, at codon 1138 of the RYR2 protein (p.Asp1138Glu). This variant is not present in population databases (gnomAD no frequency). This variant has not been reported in the literature in individuals affected with RYR2-related conditions. ClinVar contains an entry for this variant (Variation ID: 1171668). Invitae Evidence Modeling of protein sequence and biophysical properties (such as structural, functional, and spatial information, amino acid conservation, physicochemical variation, residue mobility, and thermodynamic stability) indicates that this missense variant is not expected to disrupt RYR2 protein function with a negative predictive value of 95%. In summary, the available evidence is currently insufficient to determine the role of this variant in disease. Therefore, it has been classified as a Variant of Uncertain Significance.

All of Us Research Program, National Institutes of Health
Classification: Uncertain significance for Catecholaminergic polymorphic ventricular tachycardia. Last evaluated: 2023-10-30. Review status: criteria provided, single submitter. Criteria: ACMG Guidelines, 2015. Collection method: clinical testing. Allele origin: germline. Inheritance: Autosomal dominant inheritance. Observed: 1 variant allele, 1 heterozygote.
Comment: This missense variant replaces aspartic acid with glutamic acid at codon 1138 of the RYR2 protein. Computational prediction suggests that this variant may not impact protein structure and function (internally defined REVEL score threshold <= 0.5, PMID: 27666373). To our knowledge, functional studies have not been reported for this variant. This variant has not been reported in individuals affected with cardiovascular disorders in the literature. This variant has not been identified in the general population by the Genome Aggregation Database (gnomAD). The available evidence is insufficient to determine the role of this variant in disease conclusively. Therefore, this variant is classified as a Variant of Uncertain Significance.

This study involves interpretation of variants in research participants for the purpose of population health screening. Participant phenotype was not available at the time of variant classification. Additional details can be found in publication PMID: 35346344, PMCID: PMC8962531

Fulgent Genetics
Classification: Uncertain significance for Ventricular arrhythmias due to cardiac ryanodine receptor calcium release deficiency syndrome; Catecholaminergic polymorphic ventricular tachycardia 1. Last evaluated: 2021-10-08. Review status: criteria provided, single submitter. Criteria: ACMG Guidelines, 2015. Collection method: clinical testing. Allele origin: unknown.

NM_001035.3(RYR2):c.3414T>A (p.Asp1138Glu)

Gene: RYR2 (ryanodine receptor 2; plus strand). Cytogenetic location: 1q43.
Variant type: single nucleotide variant.
Coding change: c.3414T>A on transcript NM_001035.3 (MANE Select); coding-DNA position 3414, T replaced by A.
Protein change: p.Asp1138Glu; replaces aspartic acid 1138 with glutamic acid.
Molecular consequence: missense variant.
Genome position (GRCh38, 1-based): chr1:237,566,766, T>A. VCF-style: chr1-237566766-T-A. GRCh37 (hg19) VCF-style: chr1-237730066-T-A.
Other names: short protein forms D1138E.
Identifiers: ClinVar variation 1171668 (VCV001171668.6), dbSNP rs763881346, ClinGen allele CA345398917.